The following is an entry in ClinVar:

NM_206933.4(USH2A):c.12448A>G (p.Thr4150Ala)

Gene: USH2A (usherin; minus strand). Cytogenetic location: 1q41.
Variant type: single nucleotide variant.
Coding change: c.12448A>G on transcript NM_206933.4 (MANE Select); coding-DNA position 12448, A replaced by G.
Protein change: p.Thr4150Ala; replaces threonine 4150 with alanine.
Molecular consequence: missense variant.
Genome position (GRCh38, 1-based): chr1:215,675,463, T>C on the plus strand (A>G on the coding strand, the complement: USH2A is on the minus strand). VCF-style: chr1-215675463-T-C. GRCh37 (hg19) VCF-style: chr1-215848805-T-C.
Other names: short protein forms T4150A.
Identifiers: ClinVar variation 493061 (VCV000493061.51), dbSNP rs1172628170, ClinGen allele CA344850876.

ClinVar aggregate classification (germline): Conflicting classifications of pathogenicity. Review status: criteria provided, conflicting classifications (1 of 4 stars). 6 submissions from 6 submitters: Pathogenic (1); Likely pathogenic (1); Uncertain significance (2). 2 of the submissions do not count toward it. Last evaluated 2026-06-16.

Conditions:
Retinitis pigmentosa (RP). Identifiers: Orphanet 791, MedGen C0035334, MeSH D012174, MONDO:0019200, OMIM 268000. Inheritance: Autosomal dominant, autosomal recessive and X linked inheritance.
Usher syndrome type 2A. Also called: RETINAL DISEASE IN USHER SYNDROME TYPE IIA, MODIFIER OF; USHER SYNDROME, TYPE IIA. Identifiers: Orphanet 231178, Orphanet 886, MedGen C1848634, MONDO:0010169, OMIM 276901.

Allele frequency attached by ClinVar (database versions not stated): gnomAD exomes below 0.00001; gnomAD 0.00001; TOPMed 0.00001.
gnomAD v4.1: 7 of 1,613,938 alleles (0.00043%); highest among the groups gnomAD compares: South Asian, 0.0022%; no homozygotes.

Submissions (6):

Women's Health and Genetics/Laboratory Corporation of America, LabCorp
Classification: Uncertain significance. Last evaluated: 2026-06-16. Review status: criteria provided, single submitter. Criteria: LabCorp Variant Classification Summary - May 2015. Collection method: clinical testing. Allele origin: germline.
Comment: Variant summary: USH2A c.12448A>G (p.Thr4150Ala) results in a non-conservative amino acid change located in the Fibronectin type III domain (IPR0003961) of the encoded protein sequence. Algorithms developed to predict the effect of missense changes on protein structure and function all suggest that this variant is likely to be disruptive. The variant was absent in 250364 control chromosomes. c.12448A>G has been observed in compound heterozygous and homozygous states in individuals affected with USH2A-related conditions (Weisschuh_2020, Abu Elasal_2024). These data indicate that the variant may be associated with disease. To our knowledge, no experimental evidence demonstrating an impact on protein function has been reported. The following publications have been ascertained in the context of this evaluation (PMID: 39062705, 31456290, 32531858). ClinVar contains an entry for this variant (Variation ID: 493061). Based on the evidence outlined above, the variant was classified as VUS-possibly pathogenic.

Labcorp Genetics (formerly Invitae), Labcorp
Classification: Uncertain significance. Last evaluated: 2021-08-24. Review status: criteria provided, single submitter. Criteria: Invitae Variant Classification Sherloc (09022015). Collection method: clinical testing. Allele origin: germline.
Comment: This sequence change replaces threonine with alanine at codon 4150 of the USH2A protein (p.Thr4150Ala). The threonine residue is highly conserved and there is a small physicochemical difference between threonine and alanine. This variant is not present in population databases (ExAC no frequency). This missense change has been observed in individuals with retinitis pigmentosa (PMID: 31456290, 32531858). ClinVar contains an entry for this variant (Variation ID: 493061). Algorithms developed to predict the effect of missense changes on protein structure and function are either unavailable or do not agree on the potential impact of this missense change (SIFT: "Deleterious"; PolyPhen-2: "Benign"; Align-GVGD: "Class C55"). In summary, the available evidence is currently insufficient to determine the role of this variant in disease. Therefore, it has been classified as a Variant of Uncertain Significance.

Molecular Genetics Laboratory, Institute for Ophthalmic Research
Classification: Pathogenic for Retinitis pigmentosa. Last evaluated: 2020-01-09. Review status: criteria provided, single submitter. Criteria: ACMG Guidelines, 2015. Collection method: research. Allele origin: germline. Affected: yes.

CeGaT Center for Human Genetics Tuebingen
Classification: Likely pathogenic. Last evaluated: 2017-10-01. Review status: criteria provided, single submitter. Criteria: CeGaT Center For Human Genetics Tuebingen Variant Classification Criteria Version 2. Collection method: clinical testing. Allele origin: germline. Affected: yes. Observed: 1 variant allele.

Natera, Inc.
Classification: Uncertain significance for Usher syndrome type 2A. Last evaluated: 2020-12-22. Review status: no assertion criteria provided. Collection method: clinical testing. Allele origin: germline. Not counted in ClinVar's aggregate classification.

Sharon lab, Hadassah-Hebrew University Medical Center
Classification: Likely pathogenic for Retinitis pigmentosa. Last evaluated: 2019-06-23. Review status: no assertion criteria provided. Collection method: research. Allele origin: inherited. Affected: yes. Not counted in ClinVar's aggregate classification.

Literature cited by the submitters: PubMed 31456290 (cited by Women's Health and Genetics/Laboratory Corporation of America, LabCorp and Labcorp Genetics (formerly Invitae), Labcorp); PubMed 32531858 (cited by Women's Health and Genetics/Laboratory Corporation of America, LabCorp and Labcorp Genetics (formerly Invitae), Labcorp); PubMed 39062705 (cited by Women's Health and Genetics/Laboratory Corporation of America, LabCorp).